The following is an entry in ClinVar:

ClinVar aggregate classification (germline): Uncertain significance (1 of 4 stars; one submission).

Conditions:
Hereditary cancer-predisposing syndrome. Also called: Tumor predisposition; Hereditary neoplastic syndrome; Hereditary Cancer Syndrome; Neoplastic Syndromes, Hereditary. Identifiers: Orphanet 140162, MedGen C0027672, MeSH D009386, MONDO:0015356.

Submission:

Ambry Genetics
Classification: Uncertain significance for Hereditary cancer-predisposing syndrome. Last evaluated: 2024-01-11. Review status: criteria provided, single submitter. Criteria: Ambry Variant Classification Scheme 2023. Collection method: clinical testing. Allele origin: germline.
Comment: The p.D1080Y variant (also known as c.3238G>T), located in coding exon 16 of the BLM gene, results from a G to T substitution at nucleotide position 3238. The aspartic acid at codon 1080 is replaced by tyrosine, an amino acid with highly dissimilar properties. This amino acid position is conserved. In addition, the in silico prediction for this alteration is inconclusive. Since supporting evidence is limited at this time, the clinical significance of this alteration remains unclear.

NM_000057.4(BLM):c.3238G>T (p.Asp1080Tyr)

Gene: BLM (BLM RecQ like helicase; plus strand). Cytogenetic location: 15q26.1.
Variant type: single nucleotide variant.
Coding change: c.3238G>T on transcript NM_000057.4 (MANE Select); coding-DNA position 3238, G replaced by T.
Protein change: p.Asp1080Tyr; replaces aspartic acid 1080 with tyrosine.
Molecular consequence: missense variant.
Genome position (GRCh38, 1-based): chr15:90,798,217, G>T. VCF-style: chr15-90798217-G-T. GRCh37 (hg19) VCF-style: chr15-91341447-G-T.
Other names: c.3238G>T, p.Asp1080Tyr (NM_001287246.2, NM_001287247.2); c.2113G>T, p.Asp705Tyr (NM_001287248.2); short protein forms D1080Y, D705Y.
Identifiers: ClinVar variation 3224414 (VCV003224414.1), dbSNP rs771767745, ClinGen allele CA393847157.